The following is an entry in ClinVar:

ClinVar aggregate classification (germline): Uncertain significance (1 of 4 stars; one submission).

Conditions:
Developmental and epileptic encephalopathy, 18 (DEE18). Also called: Early infantile epileptic encephalopathy 18. Identifiers: Orphanet 369894, MedGen C3809624, MONDO:0014201, OMIM 615476.

Submission:

Victorian Clinical Genetics Services, Murdoch Childrens Research Institute
Classification: Uncertain significance for Developmental and epileptic encephalopathy, 18. Last evaluated: 2025-10-22. Review status: criteria provided, single submitter. Criteria: ACMG Guidelines, 2015. Collection method: clinical testing. Allele origin: germline. Affected: yes.
Comment: This variant is classified as VUS-3B. Evidence in support of pathogenic classification: Variant is present in gnomAD <0.01 for a recessive condition (v4: 18 heterozygote(s), 0 homozygote(s)) . Additional information: Variant is predicted to result in a missense amino acid change from Val to Met; This variant is heterozygous; This gene is associated with autosomal recessive disease; This variant has no previous evidence of pathogenicity; No published evidence of segregation with disease has been identified for this variant; No published functional evidence has been identified for this variant; No comparable missense variants have previous evidence for pathogenicity; Variant is not located in an established domain, motif, hotspot or informative constraint region; Missense variant with inconclusive in silico prediction and uninformative conservation; Loss of function is a known mechanism of disease in this gene and is associated with developmental and epileptic encephalopathy 18 (MIM#615476).

NM_001365999.1(SZT2):c.9124G>A (p.Val3042Met)

Gene: SZT2 (SZT2 subunit of KICSTOR complex; plus strand). Cytogenetic location: 1p34.2.
Variant type: single nucleotide variant.
Coding change: c.9124G>A on transcript NM_001365999.1 (MANE Select); coding-DNA position 9124, G replaced by A.
Protein change: p.Val3042Met; replaces valine 3042 with methionine.
Molecular consequence: missense variant.
Genome position (GRCh38, 1-based): chr1:43,447,006, G>A. VCF-style: chr1-43447006-G-A. GRCh37 (hg19) VCF-style: chr1-43912677-G-A.
Other names: c.8953G>A, p.Val2985Met (NM_015284.4); short protein forms V2985M, V3042M.
Identifiers: ClinVar variation 4531481 (VCV004531481.1).